The following continues an entry in ClinVar:

NM_000051.4(ATM):c.4091A>G (p.Asp1364Gly)

Gene: ATM. ClinVar aggregate classification (germline): Conflicting classifications of pathogenicity. Uncertain significance (11); Likely benign (2).

Submissions 11 to 15 of 15:

ARUP Laboratories, Molecular Genetics and Genomics, ARUP Laboratories
Classification: Uncertain significance for Ataxia-telangiectasia syndrome. Last evaluated: 2018-09-13. Review status: criteria provided, single submitter. Criteria: ARUP Molecular Germline Variant Investigation Process. Collection method: clinical testing. Allele origin: germline.
Comment: The ATM c.4091A>G; p.Asp1364Gly variant (rs751169467), to our knowledge, is not reported in the medical literature but is reported in ClinVar (Variation ID: 236715). This variant is found on two chromosomes in the Genome Aggregation Database, indicating it is not a common polymorphism. The aspartate at codon 1364 is weakly conserved but computational analyses (SIFT: damaging, PolyPhen-2: tolerated) predict conflicting effects of this variant on protein structure/function. Due to limited information, the clinical significance of the p.Asp1364Gly variant is uncertain at this time.

Mendelics
Classification: Uncertain significance for Ataxia-telangiectasia syndrome. Last evaluated: 2018-07-02. Review status: criteria provided, single submitter. Criteria: Mendelics Assertion Criteria 2017. Collection method: clinical testing. Allele origin: unknown.

Eurofins Ntd Llc (ga)
Classification: Uncertain significance. Last evaluated: 2015-09-15. Review status: criteria provided, single submitter. Criteria: EGL Classification Definitions 2015. Collection method: clinical testing. Allele origin: germline. Observed: 1 variant allele, 1 heterozygote.

Natera, Inc.
Classification: Uncertain significance for Ataxia-telangiectasia. Last evaluated: 2020-08-19. Review status: no assertion criteria provided. Collection method: clinical testing. Allele origin: germline. Not counted in ClinVar's aggregate classification.

Department of Pathology and Laboratory Medicine, Sinai Health System
Classification: Uncertain significance for Malignant tumor of breast. Review status: no assertion criteria provided. Collection method: clinical testing. Allele origin: unknown. Affected: yes. Study: The Canadian Open Genetics Repository (COGR). Not counted in ClinVar's aggregate classification.
Comment: The ATM p.Asp1364Gly variant was identified in 1 of 2520 proband chromosomes (frequency: 0.0004) from individuals or families with Lynch syndrome (Yurgelun 2015). The variant was also identified in dbSNP (ID: rs751169467) as "With Uncertain significance allele", and in ClinVar (classified as uncertain significance by Invitae, Ambry Genetics and three other submitters). The variant was not identified in LOVD 3.0. The variant was identified in control databases in 2 of 243350 chromosomes at a frequency of 0.000008 (Genome Aggregation Database Feb 27, 2017). The variant was observed in the following populations: Other in 1 of 5450 chromosomes (freq: 0.0002), Latino in 1 of 33548 chromosomes (freq: 0.00003), while the variant was not observed in the African, European, Ashkenazi Jewish, East Asian, Finnish, and South Asian populations. The p.Asp1364 residue is not conserved in mammals and computational analyses (PolyPhen-2, SIFT, AlignGVGD, BLOSUM, MutationTaster) provide inconsistent predictions regarding the impact to the protein; this information is not very predictive of pathogenicity. The variant occurs outside of the splicing consensus sequence and in silico or computational prediction software programs (SpliceSiteFinder, MaxEntScan, NNSPLICE, GeneSplicer) do not predict a difference in splicing. In summary, based on the above information the clinical significance of this variant cannot be determined with certainty at this time. This variant is classified as a variant of uncertain significance.

Literature cited by the submitters: PubMed 25980754 (cited by 3 submitters); PubMed 25186627 (cited by 3 submitters); PubMed 35534704 (cited by Women's Health and Genetics/Laboratory Corporation of America, LabCorp and Labcorp Genetics (formerly Invitae), Labcorp); PubMed 35957908 (cited by Women's Health and Genetics/Laboratory Corporation of America, LabCorp and Labcorp Genetics (formerly Invitae), Labcorp); PubMed 25085752 (cited by Myriad Genetics, Inc.); PubMed 33471991 (cited by Ambry Genetics).